The following is an entry in ClinVar:

ClinVar aggregate classification (germline): Uncertain significance (0 of 4 stars; one submission).

Conditions:
NOTCH1-related disorder. Also called: NOTCH1-related condition; NOTCH1-related disorders.

Allele frequency attached by ClinVar (database versions not stated): TOPMed below 0.00001; gnomAD 0.00001; gnomAD exomes 0.00001.
gnomAD v4.1: 5 of 1,598,532 alleles (0.00031%); highest among the groups gnomAD compares: East Asian, 0.0045%; no homozygotes.

Submission:

PreventionGenetics, part of Exact Sciences
Classification: Uncertain significance for NOTCH1-related condition. Last evaluated: 2023-11-01. Review status: no assertion criteria provided. Collection method: clinical testing. Allele origin: germline.
Comment: The NOTCH1 c.7457C>T variant is predicted to result in the amino acid substitution p.Ser2486Leu. To our knowledge, this variant has not been reported in the literature. This variant is reported in 0.0060% of alleles in individuals of East Asian descent in gnomAD. At this time, the clinical significance of this variant is uncertain due to the absence of conclusive functional and genetic evidence.

NM_017617.5(NOTCH1):c.7457C>T (p.Ser2486Leu)

Gene: NOTCH1 (notch receptor 1; minus strand). Cytogenetic location: 9q34.3.
Variant type: single nucleotide variant.
Coding change: c.7457C>T on transcript NM_017617.5 (MANE Select); coding-DNA position 7457, C replaced by T.
Protein change: p.Ser2486Leu; replaces serine 2486 with leucine.
Molecular consequence: missense variant.
Genome position (GRCh38, 1-based): chr9:136,496,282, G>A on the plus strand (C>T on the coding strand, the complement: NOTCH1 is on the minus strand). VCF-style: chr9-136496282-G-A. GRCh37 (hg19) VCF-style: chr9-139390734-G-A.
Other names: short protein forms S2486L.
Identifiers: ClinVar variation 3032002 (VCV003032002.2), dbSNP rs1183279486, ClinGen allele CA375626192.